The following is an entry in ClinVar:

ClinVar aggregate classification (germline): Pathogenic (0 of 4 stars; one submission).

Conditions:
Leukocyte adhesion deficiency 1 (LAD1). Also called: LEUKOCYTE ADHESION DEFICIENCY, TYPE I; LAD 1; Lymphocyte function-associated antigen 1 immunodeficiency; LFA 1 immunodeficiency. Identifiers: Orphanet 2968, Orphanet 99842, MedGen C0398738, MONDO:0007293, OMIM 116920.

Submission:

Genomic Research Center, Shahid Beheshti University of Medical Sciences
Classification: Pathogenic for Leukocyte adhesion deficiency type 1. Review status: no assertion criteria provided. Collection method: not provided. Allele origin: inherited. Study: Mutation spectra of the ITGB2 gene in Iranian families with leukocyte adhesion deficiency type 1.
ClinVar note: Converted during submission from pathogenic to Pathogenic.

NM_000211.5(ITGB2):c.1030G>T (p.Glu344Ter)

Gene: ITGB2 (integrin subunit beta 2; minus strand). Cytogenetic location: 21q22.3.
Variant type: single nucleotide variant.
Coding change: c.1030G>T on transcript NM_000211.5 (MANE Select); coding-DNA position 1030, G replaced by T.
Protein change: p.Glu344Ter; replaces glutamic acid 344 with a stop codon.
Molecular consequence: nonsense.
Genome position (GRCh38, 1-based): chr21:44,895,024, C>A on the plus strand (G>T on the coding strand, the complement: ITGB2 is on the minus strand). VCF-style: chr21-44895024-C-A. GRCh37 (hg19) VCF-style: chr21-46314939-C-A.
Other names: c.1030G>T (LRG_76t1); c.1030G>T, p.Glu344Ter (NM_001127491.3); c.823G>T, p.Glu275Ter (NM_001303238.2); short protein forms E344*, E275*.
Identifiers: ClinVar variation 100744 (VCV000100744.4), dbSNP rs483352816, ClinGen allele CA249750.
Genomic context (GRCh38, chr21:44,895,024, plus strand): 5'-GACTCACATTGTAAGCATTCTTAATGAGATGGACCACATTGCTGGAGTCCTCAGACAGCT[C>A]CCCCACGGCTGACTTGGGGATGATCTCGGTGAGTTTCTGTTGGGCAAGAAGACCAGACAT-3'